The following is an entry in ClinVar:

ClinVar aggregate classification (germline): Uncertain significance (1 of 4 stars; one submission).

Conditions:
Epilepsy, familial focal, with variable foci 3 (FFEVF3). Identifiers: MedGen C4310708, MONDO:0014925, OMIM 617118.

Allele frequency attached by ClinVar (database versions not stated): gnomAD exomes below 0.00001; TOPMed below 0.00001; gnomAD 0.00001.
gnomAD v4.1: 2 of 1,545,928 alleles (0.00013%); highest among the groups gnomAD compares: Non-Finnish European, 0.00017%; no homozygotes.

Submission:

Labcorp Genetics (formerly Invitae), Labcorp
Classification: Uncertain significance for Epilepsy, familial focal, with variable foci 3. Last evaluated: 2018-01-20. Review status: criteria provided, single submitter. Criteria: Invitae Variant Classification Sherloc (09022015). Collection method: clinical testing. Allele origin: germline.
Comment: In summary, the available evidence is currently insufficient to determine the role of this variant in disease. Therefore, it has been classified as a Variant of Uncertain Significance. Algorithms developed to predict the effect of missense changes on protein structure and function (SIFT, Align-GVGD) suggest that this variant is likely to be tolerated, but these predictions have not been confirmed by published functional studies and their clinical significance is uncertain. This variant has not been reported in the literature in individuals with NPRL3-related disease. This variant is not present in population databases (ExAC no frequency). This sequence change replaces glutamine with lysine at codon 389 of the NPRL3 protein (p.Gln389Lys). The glutamine residue is moderately conserved and there is a small physicochemical difference between gluatmine and lysine.

NM_001077350.3(NPRL3):c.1165C>A (p.Gln389Lys)

Genes: HBA-LCR (alpha-globin locus control region; plus strand), NPRL3 (NPR3 like, GATOR1 complex subunit; minus strand). Cytogenetic location: 16p13.3.
Variant type: single nucleotide variant.
Coding change: c.1165C>A on transcript NM_001077350.3 (MANE Select); coding-DNA position 1165, C replaced by A.
Protein change: p.Gln389Lys; replaces glutamine 389 with lysine.
Molecular consequence: missense variant.
Genome position (GRCh38, 1-based): chr16:89,899, G>T on the plus strand (C>A on the coding strand, the complement: NPRL3 is on the minus strand). VCF-style: chr16-89899-G-T. GRCh37 (hg19) VCF-style: chr16-139897-G-T.
Other names: c.628C>A, p.Gln210Lys (NM_001039476.3); c.931C>A, p.Gln311Lys (NM_001243247.2); c.1090C>A, p.Gln364Lys (NM_001243248.2, NM_001243249.2); short protein forms Q389K, Q364K, Q210K, Q311K.
Identifiers: ClinVar variation 569639 (VCV000569639.7), dbSNP rs1331117963, ClinGen allele CA394051475.